The following is an entry in ClinVar:

NC_000006.11:g.(?_5368804)_(5613573_?)dup

Gene: FARS2 (phenylalanyl-tRNA synthetase 2, mitochondrial; plus strand). Cytogenetic location: 6p25.1.
Variant type: Duplication.
Identifiers: ClinVar variation 2425611 (VCV002425611.3).

ClinVar aggregate classification (germline): Uncertain significance (1 of 4 stars; one submission).

Conditions:
Combined oxidative phosphorylation defect type 14. Also called: Combined oxidative phosphorylation deficiency 14. Identifiers: Orphanet 319519, MedGen C4755312, MONDO:0013986, OMIM 614946.

Submission:

Labcorp Genetics (formerly Invitae), Labcorp
Classification: Uncertain significance for Combined oxidative phosphorylation defect type 14. Last evaluated: 2022-07-15. Review status: criteria provided, single submitter. Criteria: Invitae Variant Classification Sherloc (09022015). Collection method: clinical testing. Allele origin: germline.
Comment: In summary, the available evidence is currently insufficient to determine the role of this variant in disease. Therefore, it has been classified as a Variant of Uncertain Significance. Experimental studies and prediction algorithms are not available or were not evaluated, and the functional significance of this variant is currently unknown. This variant has not been reported in the literature in individuals affected with FARS2-related conditions. This variant results in a copy number gain of the genomic region encompassing exon(s) 2-6 of the FARS2 gene. This region includes the initiator codon of the gene. This copy number gain extends beyond the assayed region for this gene and therefore may encompass additional genes. As the precise location of this event is unknown, it may be in tandem or it may be located elsewhere in the genome.